The following is an entry in ClinVar:

NM_001123385.2(BCOR):c.739C>T (p.Leu247=)

Genes: BCOR (BCL6 corepressor; minus strand), LOC126863239 (MED14-independent group 3 enhancer GRCh37_chrX:39932994-39934193; plus strand). Cytogenetic location: Xp11.4.
Variant type: single nucleotide variant.
Coding change: c.739C>T on transcript NM_001123385.2 (MANE Select); coding-DNA position 739, C replaced by T.
Protein change: p.Leu247=; no amino-acid change (leucine 247 retained).
Molecular consequence: synonymous variant.
Genome position (GRCh38, 1-based): chrX:40,074,607, G>A on the plus strand (C>T on the coding strand, the complement: BCOR is on the minus strand). VCF-style: chrX-40074607-G-A. GRCh37 (hg19) VCF-style: chrX-39933860-G-A.
Other names: c.739C>T, p.Leu247= (NM_001123383.2, NM_001123384.2, NM_017745.6).
Identifiers: ClinVar variation 1336212 (VCV001336212.12), dbSNP rs139023119, ClinGen allele CA10387018.

ClinVar aggregate classification (germline): Benign/Likely benign. Review status: criteria provided, multiple submitters, no conflicts (2 of 4 stars). 4 submissions from 4 submitters: Benign (1); Likely benign (2). 1 of the submissions does not count toward it. Last evaluated 2024-10-02.

Conditions:
BCOR-related disorder. Also called: BCOR-related condition; BCOR-related disorders.
Oculofaciocardiodental syndrome (MCOPS2). Identifiers: Orphanet 2712, MedGen C1846265, MONDO:0010261, OMIM 300166.

Allele frequency attached by ClinVar (database versions not stated): TOPMed 0.00006; gnomAD 0.00007 and 0.00008; ESP Exome Variant Server 0.00009; gnomAD exomes 0.00010 and 0.00014; ExAC 0.00024.

Submissions (4):

Blueprint Genetics
Classification: Likely benign. Last evaluated: 2024-10-02. Review status: criteria provided, single submitter. Criteria: ACMG Guidelines, 2015. Collection method: clinical testing. Allele origin: germline.

Labcorp Genetics (formerly Invitae), Labcorp
Classification: Likely benign for Oculofaciocardiodental syndrome. Last evaluated: 2023-12-13. Review status: criteria provided, single submitter. Criteria: Invitae Variant Classification Sherloc (09022015). Collection method: clinical testing. Allele origin: germline.

Genetic Services Laboratory, University of Chicago
Classification: Benign. Last evaluated: 2018-06-20. Review status: criteria provided, single submitter. Criteria: ACMG Guidelines, 2015. Collection method: clinical testing. Allele origin: germline. Affected: no.

PreventionGenetics, part of Exact Sciences
Classification: Likely benign for BCOR-related condition. Last evaluated: 2019-06-24. Review status: no assertion criteria provided. Collection method: clinical testing. Allele origin: germline. Not counted in ClinVar's aggregate classification.
Comment: This variant is classified as likely benign based on ACMG/AMP sequence variant interpretation guidelines (Richards et al. 2015 PMID: 25741868, with internal and published modifications).